The following is an entry in ClinVar:

ClinVar aggregate classification (germline): Likely benign. Review status: criteria provided, multiple submitters, no conflicts (2 of 4 stars). 2 submissions from 2 submitters: Likely benign (2). Last evaluated 2026-06-19.

Conditions:
ODAD2-related disorder. Also called: ODAD2-related condition.
Primary ciliary dyskinesia 23 (CILD23). Also called: CILIARY DYSKINESIA, PRIMARY, 23, WITH OR WITHOUT SITUS INVERSUS. Identifiers: Orphanet 244, MedGen C3809548, MONDO:0014193, OMIM 615451.

Allele frequency attached by ClinVar (database versions not stated): 1000 Genomes Project 30x 0.00016; 1000 Genomes Project 0.00020.
gnomAD v4.1: 15 of 1,599,432 alleles (0.00094%); highest among the groups gnomAD compares: African/African-American, 0.0054%; no homozygotes.

Submissions (2):

PreventionGenetics, part of Exact Sciences
Classification: Likely benign for ODAD2-related condition. Last evaluated: 2026-06-19. Review status: criteria provided, single submitter. Criteria: ACMG Guidelines, 2015. Collection method: clinical testing. Allele origin: germline.
Comment: This variant is classified as likely benign based on ACMG/AMP sequence variant interpretation guidelines (Richards et al. 2015 PMID: 25741868, with internal and published modifications).

Labcorp Genetics (formerly Invitae), Labcorp
Classification: Likely benign for Primary ciliary dyskinesia 23. Last evaluated: 2023-03-17. Review status: criteria provided, single submitter. Criteria: Invitae Variant Classification Sherloc (09022015). Collection method: clinical testing. Allele origin: germline.

NM_018076.5(ODAD2):c.2610+8C>T

Gene: ODAD2 (outer dynein arm docking complex subunit 2; minus strand). Cytogenetic location: 10p12.1.
Variant type: single nucleotide variant.
Coding change: c.2610+8C>T on transcript NM_018076.5 (MANE Select); 8 bases into the intron after coding-DNA position 2610, C replaced by T.
Molecular consequence: intron variant.
Genome position (GRCh38, 1-based): chr10:27,907,655, G>A on the plus strand (C>T on the coding strand, the complement: ODAD2 is on the minus strand). VCF-style: chr10-27907655-G-A. GRCh37 (hg19) VCF-style: chr10-28196584-G-A.
Other names: c.2610+8C>T (NM_001290020.2, NM_018076.4); c.1686+8C>T (NM_001312689.2); c.1185+8C>T (NM_001290021.2).
Identifiers: ClinVar variation 2906820 (VCV002906820.4), dbSNP rs372647560, ClinGen allele CA5453158.